The following is an entry in ClinVar:

NM_001130823.3(DNMT1):c.637_639del (p.Asp213del)

Gene: DNMT1 (DNA methyltransferase 1; minus strand). Cytogenetic location: 19p13.2.
Variant type: Deletion.
Coding change: c.637_639del on transcript NM_001130823.3 (MANE Select); coding-DNA positions 637 to 639, 3 bases deleted (GAC; older notation c.637_639delGAC).
Protein change: p.Asp213del; deletes aspartic acid 213.
Molecular consequence: inframe deletion.
Genome position (GRCh38, 1-based): chr19:10,175,549-10,175,551, GTC deleted on the plus strand (GAC on the coding strand, the reverse complement: DNMT1 is on the minus strand). VCF-style (leftmost placement, unchanged base first): chr19-10175548-TGTC-T. GRCh37 (hg19) VCF-style: chr19-10286224-TGTC-T.
Other names: c.589_591del, p.Asp197del (NM_001318730.2, NM_001379.4); c.274_276del, p.Asp92del (NM_001318731.2); short protein forms D92del, D197del, D213del.
Identifiers: ClinVar variation 960222 (VCV000960222.7), dbSNP rs1355566145, ClinGen allele CA631454428.

ClinVar aggregate classification (germline): Uncertain significance (1 of 4 stars; one submission).

Conditions:
Hereditary sensory neuropathy-deafness-dementia syndrome. Also called: NEUROPATHY, HEREDITARY SENSORY, WITH HEARING LOSS AND DEMENTIA; Hereditary Sensory and Autonomic Neuropathy Type 1E (HSAN1E); Hereditary sensory neuropathy type IE; HSN IE. Identifiers: Orphanet 456318, MedGen C3279885, MONDO:0013584, OMIM 614116.

Allele frequency attached by ClinVar (database versions not stated): gnomAD exomes below 0.00001; gnomAD 0.00001; TOPMed 0.00001.

Submission:

Labcorp Genetics (formerly Invitae), Labcorp
Classification: Uncertain significance for Hereditary sensory neuropathy-deafness-dementia syndrome. Last evaluated: 2021-08-30. Review status: criteria provided, single submitter. Criteria: Invitae Variant Classification Sherloc (09022015). Collection method: clinical testing. Allele origin: germline.
Comment: This variant, c.637_639del, results in the deletion of 1 amino acid(s) of the DNMT1 protein (p.Asp213del), but otherwise preserves the integrity of the reading frame. This variant is not present in population databases (ExAC no frequency). This variant has not been reported in the literature in individuals affected with DNMT1-related conditions. Experimental studies and prediction algorithms are not available or were not evaluated, and the functional significance of this variant is currently unknown. In summary, the available evidence is currently insufficient to determine the role of this variant in disease. Therefore, it has been classified as a Variant of Uncertain Significance.